The following is an entry in ClinVar:

NM_003242.6(TGFBR2):c.352T>C (p.Ser118Pro)

Gene: TGFBR2 (transforming growth factor beta receptor 2; plus strand). Cytogenetic location: 3p24.1.
Variant type: single nucleotide variant.
Coding change: c.352T>C on transcript NM_003242.6 (MANE Select); coding-DNA position 352, T replaced by C.
Protein change: p.Ser118Pro; replaces serine 118 with proline.
Molecular consequence: missense variant.
Genome position (GRCh38, 1-based): chr3:30,650,358, T>C. VCF-style: chr3-30650358-T-C. GRCh37 (hg19) VCF-style: chr3-30691850-T-C.
Other names: c.427T>C, p.Ser143Pro (NM_001024847.3, NM_001407126.1, NM_001407139.1); c.352T>C, p.Ser118Pro (NM_001407127.1, NM_001407130.1); c.379T>C, p.Ser127Pro (NM_001407128.1); c.247T>C, p.Ser83Pro (NM_001407129.1, NM_001407132.1, NM_001407133.1 and 3 more transcripts); short protein forms S118P, S143P, S127P, S83P.
Identifiers: ClinVar variation 924010 (VCV000924010.7), dbSNP rs540920930, ClinGen allele CA048054.

ClinVar aggregate classification (germline): Uncertain significance/Uncertain risk allele. Review status: criteria provided, multiple submitters, no conflicts (2 of 4 stars). 2 submissions from 2 submitters: Uncertain significance (1); Uncertain risk allele (1). Last evaluated 2023-12-04.

Conditions:
Diabetic retinopathy. Identifiers: MedGen C0011884, MONDO:0005266.
Familial thoracic aortic aneurysm and aortic dissection (TAAD). Also called: Thoracic aortic aneurysms and dissections. Identifiers: Orphanet 91387, MedGen C4707243, MONDO:0019625.

Allele frequency attached by ClinVar (database versions not stated): gnomAD exomes below 0.00001; ExAC 0.00001; gnomAD 0.00001; TOPMed 0.00001; 1000 Genomes Project 30x 0.00016; 1000 Genomes Project 0.00020.
gnomAD v4.1: 2 of 1,613,988 alleles (0.00012%); highest among the groups gnomAD compares: African/African-American, 0.0027%; no homozygotes.

Submissions (2):

Color Diagnostics, LLC DBA Color Health
Classification: Uncertain significance for Familial thoracic aortic aneurysm and aortic dissection. Last evaluated: 2023-12-04. Review status: criteria provided, single submitter. Criteria: ACMG Guidelines, 2015. Collection method: clinical testing. Allele origin: germline.
Comment: This missense variant replaces serine with proline at codon 143 of the TGFBR2 protein. Computational prediction tools and conservation analyses are inconclusive regarding the impact of this variant on the protein function. Computational splicing tools suggest that this variant may not impact RNA splicing. To our knowledge, functional assays have not been performed for this variant nor has this variant been reported in individuals affected with cardiovascular disorders in the literature. This variant has been identified in 1/250990 chromosomes in the general population by the Genome Aggregation Database (gnomAD). Available evidence is insufficient to determine the role of this variant in disease conclusively. Therefore, this variant is classified as a Variant of Uncertain Significance.

Clinical Genomics, Uppaluri K&H Personalized Medicine Clinic
Classification: Uncertain risk allele for Diabetic retinopathy. Review status: criteria provided, single submitter. Criteria: K And H Uppaluri Personalized Medicine Clinic Variant Classification And Assertion Criteria Updated V 2. Collection method: research. Allele origin: unknown.
Comment: Potent mutations in TGFBR2 gene encodes the transforming growth factor that have been associated with angiogenesis and diabetic retinopathy. More clinical studies are needed for stronger association. However, more evidence is required to confer the association of this particular variant rs540920930 with diabetic retinopathy.

Literature cited by the submitters: PubMed 30222965 (cited by Clinical Genomics, Uppaluri K&H Personalized Medicine Clinic); PubMed 28162229 (cited by Clinical Genomics, Uppaluri K&H Personalized Medicine Clinic); PubMed 34572573 (cited by Clinical Genomics, Uppaluri K&H Personalized Medicine Clinic).